The following is an entry in ClinVar:

ClinVar aggregate classification (germline): Uncertain significance (3 of 4 stars; one submission).

Conditions:
Monogenic diabetes. Identifiers: Orphanet 183625, MedGen C3888631, MONDO:0015967.

Submission:

ClinGen Monogenic Diabetes Variant Curation Expert Panel
Classification: Uncertain significance for Monogenic diabetes. Last evaluated: 2025-09-02. Review status: reviewed by expert panel. Criteria: ClinGen Diabetes ACMG Specifications HNF4A V3.0.0. Collection method: curation. Allele origin: germline. Inheritance: Autosomal dominant inheritance.
Comment: The c.-136A>G variant in the hepatocyte nuclear factor 4-alpha gene, HNF4A, is a single nucleotide variant within the promoter of NM_175914.5. This variant is absent from gnomAD v2.1.1 and v4.1.0 (PM2_Supporting). This variant is located within the HNF6/OC2 binding site of the promoter (c.-132 to c.-141) of HNF4A, which is defined as critical for the protein’s function by the ClinGen MDEP (PM1_Supporting). This variant was identified in an individual with a clinical history highly specific for HNF4A-monogenic diabetes (MODY probability calculator result >50%, negative genetic testing for HNF1A, and a personal and family h/o neonatal hypoglycemia) (PP4_Moderate; PMID: 20546279). This variant segregated with diabetes with two informative meioses in a single family; however, this does not meet the thresholds for PP1 set by the ClinGen MDEP (PMID: 27236918, 20546279, internal lab contributors). In summary, c.-136A>G meets the criteria to be classified as a variant of uncertain significance for monogenic diabetes. ACMG/AMP criteria applied, as specified by the ClinGen MDEP VCEP (specification version 3.0.0; approved 6/30/2025): PM1_Supporting, PM2_Supporting, PP4_Moderate.

Literature cited by the submitters: PubMed 20546279.

NC_000020.11:g.44355669A>G

Gene: HNF4A (hepatocyte nuclear factor 4 alpha; plus strand). Cytogenetic location: 20q13.12.
Variant type: single nucleotide variant.
Genome position: GRCh38 VCF-style: chr20-44355669-A-G. GRCh37 (hg19) VCF-style: chr20-42984309-A-G.
Identifiers: ClinVar variation 4077381 (VCV004077381.1).